The following is an entry in ClinVar:

NM_024596.5(MCPH1):c.832_945del (p.Pro278_Gln315del)

Gene: MCPH1 (microcephalin 1; plus strand). Cytogenetic location: 8p23.1.
Variant type: Deletion.
Coding change: c.832_945del on transcript NM_024596.5 (MANE Select); coding-DNA positions 832 to 945, 114 bases deleted.
Protein change: p.Pro278_Gln315del.
Molecular consequence: inframe deletion. On other transcripts: non-coding transcript variant (1).
Genome position (GRCh38, 1-based): chr8:6,444,554-6,444,667, 114 bases deleted. GRCh37 (hg19): chr8:6,302,075-6,302,188.
Other names: c.832_945del, p.Pro278_Gln315del (NM_001172574.2, NM_001322042.2, NM_001363979.1 and 3 more transcripts); c.688_801del, p.Pro230_Gln267del (NM_001172575.2); c.826_939del, p.Pro276_Gln313del (NM_001322043.2); c.730_843del, p.Pro244_Gln281del (NM_001322045.2).
Identifiers: ClinVar variation 5004657 (VCV005004657.1).

ClinVar aggregate classification (germline): Uncertain significance (1 of 4 stars; one submission).

Conditions:
Microcephaly 1, primary, autosomal recessive (MCPH1). Also called: PREMATURE CHROMOSOME CONDENSATION SYNDROME; PCC SYNDROME; PREMATURE CHROMOSOME CONDENSATION WITH MICROCEPHALY AND MENTAL RETARDATION. Identifiers: Orphanet 2512, MedGen C1855081, MONDO:0009617, OMIM 251200.

Submission:

Myriad Genetics, Inc.
Classification: Uncertain significance for Microcephaly 1, primary, autosomal recessive. Last evaluated: 2026-05-11. Review status: criteria provided, single submitter. Criteria: Myriad Autosomal Dominant, Autosomal Recessive and X-Linked Classification Criteria (2023). Collection method: clinical testing. Allele origin: unknown.
Comment: NM_024596.3(MCPH1):c.831_944del114(P278_Q315del) is an in-frame deletion classified as a variant of uncertain significance in the context of primary microcephaly, MCPH1-related. P278_Q315del has not been observed in cases with relevant disease. Relevant functional assessments of this variant are not available in the literature. P278_Q315del has not been observed in referenced population frequency databases. In summary, there is insufficient evidence to classify NM_024596.3(MCPH1):c.831_944del114(P278_Q315del) as pathogenic or benign. Please note: this variant was assessed in the context of healthy population screening.